The following is an entry in ClinVar:

NM_001382567.1(STIM1):c.1634+184C>T

Gene: STIM1 (stromal interaction molecule 1; plus strand). Cytogenetic location: 11p15.4.
Variant type: single nucleotide variant.
Coding change: c.1634+184C>T on transcript NM_001382567.1 (MANE Select); 184 bases into the intron after coding-DNA position 1634, C replaced by T.
Molecular consequence: intron variant. On other transcripts: synonymous variant (2).
Genome position (GRCh38, 1-based): chr11:4,086,727, C>T. VCF-style: chr11-4086727-C-T. GRCh37 (hg19) VCF-style: chr11-4107957-C-T.
Other names: c.1725C>T, p.Thr575= (NM_001277961.3); c.1503C>T, p.Thr501= (NM_001382566.1); c.1319+184C>T (NM_001382578.1, NM_001382575.1, NM_001382576.1 and 2 more transcripts); c.1052+184C>T (NM_001382580.1, NM_001382581.1); c.1562+184C>T (NM_001382568.1); c.1541+184C>T (NM_001277962.2, NM_003156.4); c.1313+184C>T (NM_001382570.1); c.1406+184C>T (NM_001382569.1); and 2 more.
Identifiers: ClinVar variation 3359283 (VCV003359283.2).

ClinVar aggregate classification (germline): Conflicting classifications of pathogenicity. Review status: criteria provided, conflicting classifications (1 of 4 stars). 2 submissions from 2 submitters: Uncertain significance (1); Likely benign (1). Last evaluated 2025-03-19.

Conditions:
STIM1-related disorder. Also called: STIM1-related condition.

gnomAD v4.1: 69 of 1,537,708 alleles (0.0045%); highest among the groups gnomAD compares: Non-Finnish European, 0.0059%; no homozygotes.

Submissions (2):

PreventionGenetics, part of Exact Sciences
Classification: Likely benign for STIM1-related condition. Last evaluated: 2025-03-19. Review status: criteria provided, single submitter. Criteria: ACMG Guidelines, 2015. Collection method: clinical testing. Allele origin: germline.
Comment: This variant is classified as likely benign based on ACMG/AMP sequence variant interpretation guidelines (Richards et al. 2015 PMID: 25741868, with internal and published modifications).

GeneDx
Classification: Uncertain significance. Last evaluated: 2023-06-06. Review status: criteria provided, single submitter. Criteria: GeneDx Variant Classification Process June 2021. Collection method: clinical testing. Allele origin: germline. Affected: yes.
Comment: In silico analysis supports that this variant does not alter splicing; Has not been previously published as pathogenic or benign to our knowledge